The following is an entry in ClinVar:

NM_033026.6(PCLO):c.12925TCT[1] (p.Ser4313del)

Gene: PCLO (piccolo presynaptic cytomatrix protein; minus strand). Cytogenetic location: 7q21.11.
Variant type: Microsatellite.
Coding change: c.12925TCT[1] on transcript NM_033026.6 (MANE Select); one copy of the 3-base unit TCT starting at c.12925; the reference has two copies in a row; one copy, 3 bases deleted.
Protein change: p.Ser4313del; deletes serine 4313.
Molecular consequence: inframe deletion.
Genome position (GRCh38, 1-based): chr7:82,915,056-82,915,058, AGA deleted on the plus strand (TCT on the coding strand, the reverse complement: PCLO is on the minus strand); deleting any 3 consecutive bases within chr7:82,915,056-82,915,062 gives the same sequence; the position shown is the placement nearest the transcript's 3' end. VCF-style (leftmost placement, unchanged base first): chr7-82915055-TAGA-T. GRCh37 (hg19) VCF-style: chr7-82544371-TAGA-T.
Other names: c.12925TCT[1], p.Ser4313del (NM_014510.3); short protein forms S4313del.
Identifiers: ClinVar variation 2070106 (VCV002070106.1), dbSNP rs771356237, ClinGen allele CA4319278.

ClinVar aggregate classification (germline): Uncertain significance (1 of 4 stars; one submission).

Submission:

Labcorp Genetics (formerly Invitae), Labcorp
Classification: Uncertain significance. Last evaluated: 2022-08-13. Review status: criteria provided, single submitter. Criteria: Invitae Variant Classification Sherloc (09022015). Collection method: clinical testing. Allele origin: germline.
Comment: This variant, c.12928_12930del, results in the deletion of 1 amino acid(s) of the PCLO protein (p.Ser4313del), but otherwise preserves the integrity of the reading frame. This variant is present in population databases (rs771356237, gnomAD 0.08%). This variant has not been reported in the literature in individuals affected with PCLO-related conditions. Experimental studies and prediction algorithms are not available or were not evaluated, and the functional significance of this variant is currently unknown. In summary, the available evidence is currently insufficient to determine the role of this variant in disease. Therefore, it has been classified as a Variant of Uncertain Significance.